The following is an entry in ClinVar:

NM_000368.5(TSC1):c.452T>G (p.Leu151Arg)

Gene: TSC1 (TSC complex subunit 1; minus strand). Cytogenetic location: 9q34.13.
Variant type: single nucleotide variant.
Coding change: c.452T>G on transcript NM_000368.5 (MANE Select); coding-DNA position 452, T replaced by G.
Protein change: p.Leu151Arg; replaces leucine 151 with arginine.
Molecular consequence: missense variant.
Genome position (GRCh38, 1-based): chr9:132,923,404, A>C on the plus strand (T>G on the coding strand, the complement: TSC1 is on the minus strand). VCF-style: chr9-132923404-A-C. GRCh37 (hg19) VCF-style: chr9-135798791-A-C.
Other names: c.452T>G (NM_000368.4); c.452T>G, p.Leu151Arg (NM_001162426.2); c.299T>G, p.Leu100Arg (NM_001162427.2); c.89T>G, p.Leu30Arg (NM_001362177.2); short protein forms L100R, L151R, L30R.
Identifiers: ClinVar variation 1054716 (VCV001054716.11), dbSNP rs2132189225, ClinGen allele CA375373353.

ClinVar aggregate classification (germline): Uncertain significance. Review status: criteria provided, multiple submitters, no conflicts (2 of 4 stars). 2 submissions from 2 submitters: Uncertain significance (2). Last evaluated 2026-02-25.

Conditions:
Hereditary cancer-predisposing syndrome. Also called: Hereditary Cancer Syndrome; Neoplastic Syndromes, Hereditary; Tumor predisposition; Hereditary neoplastic syndrome. Identifiers: Orphanet 140162, MedGen C0027672, MeSH D009386, MONDO:0015356.
Tuberous sclerosis 1 (TSC1). Identifiers: Orphanet 805, MedGen C1854465, MONDO:0008612, OMIM 191100.

Submissions (2):

Ambry Genetics
Classification: Uncertain significance for Hereditary cancer-predisposing syndrome. Last evaluated: 2026-02-25. Review status: criteria provided, single submitter. Criteria: Ambry Variant Classification Scheme 2023. Collection method: clinical testing. Allele origin: germline.
Comment: The p.L151R variant (also known as c.452T>G), located in coding exon 4 of the TSC1 gene, results from a T to G substitution at nucleotide position 452. The leucine at codon 151 is replaced by arginine, an amino acid with dissimilar properties. This amino acid position is highly conserved in available vertebrate species. In addition, this alteration is predicted to be deleterious by in silico analysis. Based on the available evidence, the clinical significance of this variant remains unclear.

Labcorp Genetics (formerly Invitae), Labcorp
Classification: Uncertain significance for Tuberous sclerosis 1. Last evaluated: 2022-02-18. Review status: criteria provided, single submitter. Criteria: Invitae Variant Classification Sherloc (09022015). Collection method: clinical testing. Allele origin: germline.
Comment: In summary, the available evidence is currently insufficient to determine the role of this variant in disease. Therefore, it has been classified as a Variant of Uncertain Significance. Algorithms developed to predict the effect of missense changes on protein structure and function are either unavailable or do not agree on the potential impact of this missense change (SIFT: "Deleterious"; PolyPhen-2: "Probably Damaging"; Align-GVGD: "Class C0"). ClinVar contains an entry for this variant (Variation ID: 1054716). This variant has not been reported in the literature in individuals affected with TSC1-related conditions. This variant is not present in population databases (gnomAD no frequency). This sequence change replaces leucine, which is neutral and non-polar, with arginine, which is basic and polar, at codon 151 of the TSC1 protein (p.Leu151Arg).